The following is an entry in ClinVar:

ClinVar aggregate classification (germline): Uncertain significance (1 of 4 stars; one submission).

Conditions:
Renal cell carcinoma. Identifiers: Orphanet 217071, MedGen C0007134, MeSH D002292, MONDO:0005086, HP:0005584.

Submission:

Labcorp Genetics (formerly Invitae), Labcorp
Classification: Uncertain significance for Renal cell carcinoma. Last evaluated: 2023-05-15. Review status: criteria provided, single submitter. Criteria: Invitae Variant Classification Sherloc (09022015). Collection method: clinical testing. Allele origin: germline.
Comment: This variant is not present in population databases (gnomAD no frequency). In summary, the available evidence is currently insufficient to determine the role of this variant in disease. Therefore, it has been classified as a Variant of Uncertain Significance. Advanced modeling of protein sequence and biophysical properties (such as structural, functional, and spatial information, amino acid conservation, physicochemical variation, residue mobility, and thermodynamic stability) performed at Invitae indicates that this missense variant is expected to disrupt MET protein function. ClinVar contains an entry for this variant (Variation ID: 1043363). This variant has not been reported in the literature in individuals affected with MET-related conditions. This sequence change replaces histidine, which is basic and polar, with proline, which is neutral and non-polar, at codon 1086 of the MET protein (p.His1086Pro).

NM_000245.4(MET):c.3203A>C (p.His1068Pro)

Gene: MET (MET proto-oncogene, receptor tyrosine kinase; plus strand). Cytogenetic location: 7q31.2.
Variant type: single nucleotide variant.
Coding change: c.3203A>C on transcript NM_000245.4 (MANE Select); coding-DNA position 3203, A replaced by C.
Protein change: p.His1068Pro; replaces histidine 1068 with proline.
Molecular consequence: missense variant.
Genome position (GRCh38, 1-based): chr7:116,775,055, A>C. VCF-style: chr7-116775055-A-C. GRCh37 (hg19) VCF-style: chr7-116415109-A-C.
Other names: c.3257A>C, p.His1086Pro (NM_001127500.3); c.1913A>C, p.His638Pro (NM_001324402.2); short protein forms H1068P, H638P, H1086P.
Identifiers: ClinVar variation 1043363 (VCV001043363.8), dbSNP rs767587065, ClinGen allele CA368988620.